The following is an entry in ClinVar:

NM_007294.4(BRCA1):c.1812A>C (p.Lys604Asn)

Gene: BRCA1 (BRCA1 DNA repair associated; minus strand). Cytogenetic location: 17q21.31.
Variant type: single nucleotide variant.
Coding change: c.1812A>C on transcript NM_007294.4 (MANE Select); coding-DNA position 1812, A replaced by C.
Protein change: p.Lys604Asn; replaces lysine 604 with asparagine.
Molecular consequence: missense variant. On other transcripts: intron variant (137).
Genome position (GRCh38, 1-based): chr17:43,093,719, T>G on the plus strand (A>C on the coding strand, the complement: BRCA1 is on the minus strand). VCF-style: chr17-43093719-T-G. GRCh37 (hg19) VCF-style: chr17-41245736-T-G.
Other names: NP_009225.1:p.Lys604Asn; c.1599A>C, p.Lys533Asn (NM_001407571.1, NM_001407853.1, NM_001407894.1 and 9 more transcripts); c.1812A>C, p.Lys604Asn (NM_001407581.1, NM_001407582.1, NM_001407583.1 and 30 more transcripts); c.1809A>C, p.Lys603Asn (NM_001407587.1, NM_001407590.1, NM_001407591.1 and 22 more transcripts); c.1803A>C, p.Lys601Asn (NM_001407646.1, NM_001407647.1); c.1689A>C, p.Lys563Asn (NM_001407648.1, NM_001407664.1, NM_001407665.1 and 19 more transcripts); c.1686A>C, p.Lys562Asn (NM_001407649.1, NM_001407670.1, NM_001407671.1 and 11 more transcripts); c.1734A>C, p.Lys578Asn (NM_001407653.1, NM_001407654.1, NM_001407655.1 and 4 more transcripts); and 41 more; short protein forms K557N, K604N, K476N, K537N, K562N, K578N, K601N, K436N.
Identifiers: ClinVar variation 1325665 (VCV001325665.4), dbSNP rs2154420505, ClinGen allele CA10598393.

ClinVar aggregate classification (germline): Conflicting classifications of pathogenicity. Review status: criteria provided, conflicting classifications (1 of 4 stars). 2 submissions from 2 submitters: Uncertain significance (1); Likely benign (1). Last evaluated 2023-03-23.

Conditions:
Hereditary cancer-predisposing syndrome. Also called: Hereditary Cancer Syndrome; Tumor predisposition; Neoplastic Syndromes, Hereditary; Hereditary neoplastic syndrome. Identifiers: Orphanet 140162, MedGen C0027672, MeSH D009386, MONDO:0015356.
Hereditary breast ovarian cancer syndrome. Also called: Hereditary breast and ovarian cancer syndrome; Hereditary breast and ovarian cancer; Hereditary breast and ovarian cancer syndrome (HBOC); BRCA1- and BRCA2-Associated Hereditary Breast and Ovarian Cancer; Hereditary breast and/or ovarian cancer syndrome; Breast and ovarian cancer. Identifiers: Orphanet 145, MedGen C0677776, MeSH D061325, MONDO:0003582. Disease mechanism: loss of function.

Submissions (2):

University of Washington Department of Laboratory Medicine, University of Washington
Classification: Likely benign for Hereditary cancer-predisposing syndrome. Last evaluated: 2023-03-23. Review status: criteria provided, single submitter. Criteria: Dines et al. (Genet Med. 2020). Collection method: curation. Allele origin: germline.
Comment: Missense variant in a coldspot region where missense variants are very unlikely to be pathogenic (PMID:31911673).

BRCA1 coldspot (exon 11 using historical exon numbering). Reclassification based on statistical prior probability

National Health Laboratory Service, Universitas Academic Hospital and University of the Free State
Classification: Uncertain significance for Hereditary breast ovarian cancer syndrome. Last evaluated: 2021-11-16. Review status: criteria provided, single submitter. Criteria: ACMG Guidelines, 2015. Collection method: clinical testing. Allele origin: germline. Affected: yes. Observed: 1 variant allele.

Literature cited by the submitters: DOI 10.3389/fgene.2022.834265 (cited by National Health Laboratory Service, Universitas Academic Hospital and University of the Free State).